The following is an entry in ClinVar:

ClinVar aggregate classification (germline): Likely benign (0 of 4 stars; one submission).

Conditions:
ZIC3-related disorder. Also called: ZIC3-related condition; ZIC3-Related Disorders.

Allele frequency attached by ClinVar (database versions not stated): gnomAD 0.00001; gnomAD exomes 0.00003; TOPMed 0.00005.
gnomAD v4.1: 29 of 1,209,944 alleles (0.0024%); highest among the groups gnomAD compares: Non-Finnish European, 0.0032%; no homozygotes.

Submission:

PreventionGenetics, part of Exact Sciences
Classification: Likely benign for ZIC3-related condition. Last evaluated: 2019-05-20. Review status: no assertion criteria provided. Collection method: clinical testing. Allele origin: germline.
Comment: This variant is classified as likely benign based on ACMG/AMP sequence variant interpretation guidelines (Richards et al. 2015 PMID: 25741868, with internal and published modifications).

NM_003413.4(ZIC3):c.576G>C (p.Leu192=)

Gene: ZIC3 (Zic family zinc finger 3; plus strand). Cytogenetic location: Xq26.3.
Variant type: single nucleotide variant.
Coding change: c.576G>C on transcript NM_003413.4 (MANE Select); coding-DNA position 576, G replaced by C.
Protein change: p.Leu192=; no amino-acid change (leucine 192 retained).
Molecular consequence: synonymous variant.
Genome position (GRCh38, 1-based): chrX:137,567,267, G>C. VCF-style: chrX-137567267-G-C. GRCh37 (hg19) VCF-style: chrX-136649426-G-C.
Other names: c.576G>C, p.Leu192= (NM_001330661.1).
Identifiers: ClinVar variation 3038703 (VCV003038703.2), dbSNP rs1380540154, ClinGen allele CA518857438.